The following is an entry in ClinVar:

NM_001303457.2(TTI1):c.2703C>T (p.Asn901=)

Gene: TTI1 (TELO2 interacting protein 1; minus strand). Cytogenetic location: 20q11.23.
Variant type: single nucleotide variant.
Coding change: c.2703C>T on transcript NM_001303457.2 (MANE Select); coding-DNA position 2703, C replaced by T.
Protein change: p.Asn901=; no amino-acid change (asparagine 901 retained).
Molecular consequence: synonymous variant.
Genome position (GRCh38, 1-based): chr20:37,999,278, G>A on the plus strand (C>T on the coding strand, the complement: TTI1 is on the minus strand). VCF-style: chr20-37999278-G-A. GRCh37 (hg19) VCF-style: chr20-36627680-G-A.
Other names: c.2703C>T, p.Asn901= (NM_014657.3).
Identifiers: ClinVar variation 2652310 (VCV002652310.24), dbSNP rs201440713, ClinGen allele CA9849198.

ClinVar aggregate classification (germline): Likely benign (1 of 4 stars; one submission).

Allele frequency attached by ClinVar (database versions not stated): TOPMed below 0.00001; ExAC 0.00001; gnomAD 0.00001; 1000 Genomes Project 30x 0.00031; 1000 Genomes Project 0.00040.
gnomAD v4.1: 5 of 1,524,608 alleles (0.00033%); highest among the groups gnomAD compares: East Asian, 0.01%; no homozygotes.

Submission:

CeGaT Center for Human Genetics Tuebingen
Classification: Likely benign. Last evaluated: 2023-03-01. Review status: criteria provided, single submitter. Criteria: CeGaT Center For Human Genetics Tuebingen Variant Classification Criteria Version 2. Collection method: clinical testing. Allele origin: germline. Affected: yes. Observed: 1 variant allele.
Comment: TTI1: BP4, BP7